The following is an entry in ClinVar:

NM_001963.6(EGF):c.1380A>G (p.Glu460=)

Gene: EGF (epidermal growth factor; plus strand). Cytogenetic location: 4q25.
Variant type: single nucleotide variant.
Coding change: c.1380A>G on transcript NM_001963.6 (MANE Select); coding-DNA position 1380, A replaced by G.
Protein change: p.Glu460=; no amino-acid change (glutamic acid 460 retained).
Molecular consequence: synonymous variant.
Genome position (GRCh38, 1-based): chr4:109,963,240, A>G. VCF-style: chr4-109963240-A-G. GRCh37 (hg19) VCF-style: chr4-110884396-A-G.
Other names: p.Glu460=; c.1380A>G, p.Glu460= (NM_001178130.3); c.1254A>G, p.Glu418= (NM_001178131.3, NM_001357021.2).
Identifiers: ClinVar variation 769292 (VCV000769292.15), dbSNP rs11568953, ClinGen allele CA3043667.
Genomic context (GRCh38, chr4:109,963,240, plus strand): 5'-CTCACCCGATAATGGTGGATGTAGCCAGCTCTGCGTTCCTCTTAGCCCAGTATCCTGGGA[A>G]TGTGATTGCTTTCCTGGGTATGACCTACAACTGGATGAAAAAAGCTGTGCAGCTTCAGGT-3'
Protein context (NP_001954.2, residues 450-470): LCVPLSPVSW[Glu460=]CDCFPGYDLQ

ClinVar aggregate classification (germline): Benign/Likely benign. Review status: criteria provided, multiple submitters, no conflicts (2 of 4 stars). 5 submissions from 5 submitters: Benign (4); Likely benign (1). Last evaluated 2026-02-01.

Conditions:
Renal hypomagnesemia 4. Also called: HYPOMAGNESEMIA, RENAL, NORMOCALCIURIC. Identifiers: Orphanet 34527, MedGen C2673648, MONDO:0012717, OMIM 611718.

Allele frequency attached by ClinVar (database versions not stated): 1000 Genomes Project 30x 0.00406; 1000 Genomes Project 0.00439; TOPMed 0.00877; ExAC 0.00952; gnomAD exomes 0.00966 and 0.01488; gnomAD 0.01010 and 0.01036; ESP Exome Variant Server 0.01015.
gnomAD v4.1: 23,266 of 1,614,016 alleles (1.4%); highest among the groups gnomAD compares: Non-Finnish European, 1.7%; 215 homozygotes.

Submissions (5):

Labcorp Genetics (formerly Invitae), Labcorp
Classification: Benign. Last evaluated: 2026-02-01. Review status: criteria provided, single submitter. Criteria: Invitae Variant Classification Sherloc (09022015). Collection method: clinical testing. Allele origin: germline.

Mayo Clinic Laboratories, Mayo Clinic
Classification: Benign. Last evaluated: 2023-08-14. Review status: criteria provided, single submitter. Criteria: ACMG Guidelines, 2015. Collection method: clinical testing. Allele origin: germline. Observed: 3 variant alleles.
Comment: BS1, BS2, BP4, BP7

Fulgent Genetics
Classification: Likely benign for Renal hypomagnesemia 4. Last evaluated: 2021-10-05. Review status: criteria provided, single submitter. Criteria: ACMG Guidelines, 2015. Collection method: clinical testing. Allele origin: unknown.

Illumina Laboratory Services, Illumina
Classification: Benign for Renal hypomagnesemia 4. Last evaluated: 2017-04-27. Review status: criteria provided, single submitter. Criteria: ICSL Variant Classification Criteria 13 December 2019. Collection method: clinical testing. Allele origin: germline.
Comment: This variant was observed as part of a predisposition screen in an ostensibly healthy population. A literature search was performed for the gene, cDNA change, and amino acid change (where applicable). No publications were found based on this search. Allele frequency data from public databases was too high to be consistent with this variant causing disease. Therefore, this variant is classified as benign.

Breakthrough Genomics
Classification: Benign. Review status: criteria provided, single submitter. Criteria: ACMG Guidelines, 2015. Collection method: not provided. Allele origin: germline. Inheritance: Autosomal recessive inheritance. Affected: yes.